The following is an entry in ClinVar:

NM_002250.3(KCNN4):c.340G>C (p.Val114Leu)

Gene: KCNN4 (potassium calcium-activated channel subfamily N member 4; minus strand). Cytogenetic location: 19q13.31.
Variant type: single nucleotide variant.
Coding change: c.340G>C on transcript NM_002250.3 (MANE Select); coding-DNA position 340, G replaced by C.
Protein change: p.Val114Leu; replaces valine 114 with leucine.
Molecular consequence: missense variant.
Genome position (GRCh38, 1-based): chr19:43,774,535, C>G on the plus strand (G>C on the coding strand, the complement: KCNN4 is on the minus strand). VCF-style: chr19-43774535-C-G. GRCh37 (hg19) VCF-style: chr19-44278687-C-G.
Other names: p.Val114Leu; short protein forms V114L.
Identifiers: ClinVar variation 4542351 (VCV004542351.2).
Genomic context (GRCh38, chr19:43,774,535, plus strand): 5'-GCGCCCCTAAATCCTGCACGCACGGCGGGCCCCGCACGGGCGCCGGGTGCAGCCCACACA[C>G]CACCAGCTCCAGCACGATCTGCGCCGCCTGCCGCCCGGTCAGCGCCACGCGCCAGTCCCG-3'
Protein context (NP_002241.1, residues 104-124): QAAQIVLELV[Val114Leu]CGLHPAPVRG

ClinVar aggregate classification (germline): Uncertain significance. Review status: criteria provided, multiple submitters, no conflicts (2 of 4 stars). 2 submissions from 2 submitters: Uncertain significance (2). Last evaluated 2025-02-07.

gnomAD v4.1: 45 of 1,593,648 alleles (0.0028%); highest among the groups gnomAD compares: Non-Finnish European, 0.0037%; no homozygotes.

Submissions (2):

Labcorp Genetics (formerly Invitae), Labcorp
Classification: Uncertain significance. Last evaluated: 2025-02-07. Review status: criteria provided, single submitter. Criteria: Invitae Variant Classification Sherloc (09022015). Collection method: clinical testing. Allele origin: germline.
Comment: This sequence change replaces valine, which is neutral and non-polar, with leucine, which is neutral and non-polar, at codon 114 of the KCNN4 protein (p.Val114Leu). This variant is present in population databases (rs200491983, gnomAD 0.02%), including at least one homozygous and/or hemizygous individual. This variant has not been reported in the literature in individuals affected with KCNN4-related conditions. Invitae Evidence Modeling of protein sequence and biophysical properties (such as structural, functional, and spatial information, amino acid conservation, physicochemical variation, residue mobility, and thermodynamic stability) indicates that this missense variant is not expected to disrupt KCNN4 protein function with a negative predictive value of 80%. In summary, the available evidence is currently insufficient to determine the role of this variant in disease. Therefore, it has been classified as a Variant of Uncertain Significance.

Mayo Clinic Laboratories, Mayo Clinic
Classification: Uncertain significance. Last evaluated: 2024-12-10. Review status: criteria provided, single submitter. Criteria: ACMG Guidelines, 2015. Collection method: clinical testing. Allele origin: germline. Observed: 1 variant allele.
Comment: PP3_moderate, PM1